The following is an entry in ClinVar:

NM_002857.4(PEX19):c.517C>T (p.Pro173Ser)

Gene: PEX19 (peroxisomal biogenesis factor 19; minus strand). Cytogenetic location: 1q23.2.
Variant type: single nucleotide variant.
Coding change: c.517C>T on transcript NM_002857.4 (MANE Select); coding-DNA position 517, C replaced by T.
Protein change: p.Pro173Ser; replaces proline 173 with serine.
Molecular consequence: missense variant. On other transcripts: non-coding transcript variant (2).
Genome position (GRCh38, 1-based): chr1:160,282,116, G>A on the plus strand (C>T on the coding strand, the complement: PEX19 is on the minus strand). VCF-style: chr1-160282116-G-A. GRCh37 (hg19) VCF-style: chr1-160251906-G-A.
Other names: c.517C>T, p.Pro173Ser (NM_001193644.1); short protein forms P173S.
Identifiers: ClinVar variation 1026869 (VCV001026869.8), dbSNP rs1298851036, ClinGen allele CA343260236.

ClinVar aggregate classification (germline): Uncertain significance (1 of 4 stars; one submission).

Conditions:
Peroxisome biogenesis disorder 12A (Zellweger). Also called: Peroxisome biogenesis disorder 12A. Identifiers: Orphanet 912, MedGen C3554002, MONDO:0013951, OMIM 614886.

Allele frequency attached by ClinVar (database versions not stated): TOPMed below 0.00001; gnomAD 0.00001.
gnomAD v4.1: 3 of 1,613,522 alleles (0.00019%); highest among the groups gnomAD compares: Non-Finnish European, 0.00025%; no homozygotes.

Submission:

Labcorp Genetics (formerly Invitae), Labcorp
Classification: Uncertain significance for Peroxisome biogenesis disorder 12A (Zellweger). Last evaluated: 2022-09-13. Review status: criteria provided, single submitter. Criteria: Invitae Variant Classification Sherloc (09022015). Collection method: clinical testing. Allele origin: germline.
Comment: In summary, the available evidence is currently insufficient to determine the role of this variant in disease. Therefore, it has been classified as a Variant of Uncertain Significance. Advanced modeling of protein sequence and biophysical properties (such as structural, functional, and spatial information, amino acid conservation, physicochemical variation, residue mobility, and thermodynamic stability) performed at Invitae indicates that this missense variant is not expected to disrupt PEX19 protein function. ClinVar contains an entry for this variant (Variation ID: 1026869). This variant has not been reported in the literature in individuals affected with PEX19-related conditions. This variant is not present in population databases (gnomAD no frequency). This sequence change replaces proline, which is neutral and non-polar, with serine, which is neutral and polar, at codon 173 of the PEX19 protein (p.Pro173Ser).